The following is an entry in ClinVar:

NM_001354604.2(MITF):c.451C>T (p.His151Tyr)

Gene: MITF (melanocyte inducing transcription factor; plus strand). Cytogenetic location: 3p13.
Variant type: single nucleotide variant.
Coding change: c.451C>T on transcript NM_001354604.2 (MANE Select); coding-DNA position 451, C replaced by T.
Protein change: p.His151Tyr; replaces histidine 151 with tyrosine.
Molecular consequence: missense variant. On other transcripts: intron variant (1).
Genome position (GRCh38, 1-based): chr3:69,937,918, C>T. VCF-style: chr3-69937918-C-T. GRCh37 (hg19) VCF-style: chr3-69987069-C-T.
Other names: c.130C>T, p.His44Tyr (NM_000248.4, NM_001184968.2, NM_198158.3); c.295C>T, p.His99Tyr (NM_001184967.2, NM_001354608.2); c.448C>T, p.His150Tyr (NM_001354605.2, NM_001354606.2, NM_006722.3); c.400C>T, p.His134Tyr (NM_001354607.2); c.451C>T, p.His151Tyr (NM_198159.3); c.403C>T, p.His135Tyr (NM_198177.3); c.93+37C>T (NM_198178.3); short protein forms H134Y, H135Y, H150Y, H151Y, H44Y, H99Y.
Identifiers: ClinVar variation 1313718 (VCV001313718.4), dbSNP rs1211642663, ClinGen allele CA353560464.
Genomic context (GRCh38, chr3:69,937,918, plus strand): 5'-ATACAGCAAGCCCAACGGCAGCAGGTAAAGCAGTACCTTTCTACCACTTTAGCAAATAAA[C>T]ATGCCAACCAAGTCCTGAGCTTGCCATGTCCAAACCAGCCTGGCGATCATGTCATGCCAC-3'
Protein context (NP_001341533.1, residues 141-161): QYLSTTLANK[His151Tyr]ANQVLSLPCP

ClinVar aggregate classification (germline): Uncertain significance. Review status: criteria provided, multiple submitters, no conflicts (2 of 4 stars). 2 submissions from 2 submitters: Uncertain significance (2). Last evaluated 2025-10-11.

Conditions:
Waardenburg syndrome type 2A (WS2A). Also called: WAARDENBURG SYNDROME WITHOUT DYSTOPIA CANTHORUM. Identifiers: Orphanet 3440, MedGen C1860339, MONDO:0008671, OMIM 193510.
Melanoma, cutaneous malignant, susceptibility to, 8. Also called: MELANOMA AND RENAL CELL CARCINOMA, SUSCEPTIBILITY TO; Cutaneous malignant melanoma 8. Identifiers: Orphanet 293822, MedGen C3152204, MONDO:0013759, OMIM 614456.
Tietz syndrome (TADS). Also called: ALBINISM-DEAFNESS OF TIETZ; TIETZ ALBINISM-DEAFNESS SYNDROME; HYPOPIGMENTATION/DEAFNESS OF TIETZ. Identifiers: Orphanet 42665, MedGen C0391816, MONDO:0007077, OMIM 103500.

Allele frequency attached by ClinVar (database versions not stated): gnomAD exomes below 0.00001.

Submissions (2):

Labcorp Genetics (formerly Invitae), Labcorp
Classification: Uncertain significance for Melanoma, cutaneous malignant, susceptibility to, 8; Waardenburg syndrome type 2A; Tietz syndrome. Last evaluated: 2025-10-11. Review status: criteria provided, single submitter. Criteria: Invitae Variant Classification Sherloc (09022015). Collection method: clinical testing. Allele origin: germline.
Comment: This sequence change replaces histidine, which is basic and polar, with tyrosine, which is neutral and polar, at codon 44 of the MITF protein (p.His44Tyr). This variant is present in population databases (no rsID available, gnomAD 0.003%). This variant has not been reported in the literature in individuals affected with MITF-related conditions. ClinVar contains an entry for this variant (Variation ID: 1313718). Invitae Evidence Modeling of protein sequence and biophysical properties (such as structural, functional, and spatial information, amino acid conservation, physicochemical variation, residue mobility, and thermodynamic stability) indicates that this missense variant is not expected to disrupt MITF protein function with a negative predictive value of 80%. In summary, the available evidence is currently insufficient to determine the role of this variant in disease. Therefore, it has been classified as a Variant of Uncertain Significance.

GeneDx
Classification: Uncertain significance. Last evaluated: 2020-11-30. Review status: criteria provided, single submitter. Criteria: GeneDx Variant Classification Process June 2021. Collection method: clinical testing. Allele origin: germline. Affected: yes.
Comment: Not observed at a significant frequency in large population cohorts (Lek et al., 2016); In silico analysis supports that this missense variant does not alter protein structure/function; Has not been previously published as pathogenic or benign to our knowledge